The following is an entry in ClinVar:

NM_006005.3(WFS1):c.1191C>T (p.Phe397=)

Gene: WFS1 (wolframin ER transmembrane glycoprotein; plus strand). Cytogenetic location: 4p16.1.
Variant type: single nucleotide variant.
Coding change: c.1191C>T on transcript NM_006005.3 (MANE Select); coding-DNA position 1191, C replaced by T.
Protein change: p.Phe397=; no amino-acid change (phenylalanine 397 retained).
Molecular consequence: synonymous variant.
Genome position (GRCh38, 1-based): chr4:6,300,986, C>T. VCF-style: chr4-6300986-C-T. GRCh37 (hg19) VCF-style: chr4-6302713-C-T.
Other names: c.1191C>T, p.Phe397= (NM_001145853.1).
Identifiers: ClinVar variation 682352 (VCV000682352.9), dbSNP rs201394228, ClinGen allele CA2839251.

ClinVar aggregate classification (germline): Likely benign. Review status: criteria provided, multiple submitters, no conflicts (2 of 4 stars). 4 submissions from 4 submitters: Likely benign (4). Last evaluated 2025-11-25.

Conditions:
Wolfram syndrome 1 (WFS1). Identifiers: Orphanet 3463, MedGen C4551693, MONDO:0009101, OMIM 222300.

Allele frequency attached by ClinVar (database versions not stated): gnomAD exomes 0.00006; TOPMed 0.00006; ExAC 0.00007; 1000 Genomes Project 0.00020; 1000 Genomes Project 30x 0.00031.
gnomAD v4.1: 140 of 1,614,016 alleles (0.0087%); highest among the groups gnomAD compares: East Asian, 0.011%; no homozygotes.

Submissions (4):

Labcorp Genetics (formerly Invitae), Labcorp
Classification: Likely benign. Last evaluated: 2025-11-25. Review status: criteria provided, single submitter. Criteria: Invitae Variant Classification Sherloc (09022015). Collection method: clinical testing. Allele origin: germline.

Blueprint Genetics
Classification: Likely benign. Last evaluated: 2024-07-16. Review status: criteria provided, single submitter. Criteria: ACMG Guidelines, 2015. Collection method: clinical testing. Allele origin: germline.

GeneDx
Classification: Likely benign. Last evaluated: 2020-11-05. Review status: criteria provided, single submitter. Criteria: GeneDx Variant Classification Process June 2021. Collection method: clinical testing. Allele origin: germline. Affected: yes.

Clinical Genomics, Uppaluri K&H Personalized Medicine Clinic
Classification: Likely benign for Wolfram syndrome 1. Review status: criteria provided, single submitter. Criteria: K & H Uppaluri Personalized Medicine Clinic Variant Classification & Assertion Criteria_Updated V.1. Collection method: research. Allele origin: unknown. Inheritance: Autosomal recessive inheritance.
Comment: Potent mutations in WFS1 gene are associated with Wolfram's syndrome, an autosomal recessive condition, which cause diabetes mellitus, diabetes insipidus, deafness and optic atrophy.However no sufficient evidence is found to ascertain the role of this particular variant rs201394228 in Wolfram's syndrome yet.

Literature cited by the submitters: PubMed 20738327 (cited by Clinical Genomics, Uppaluri K&H Personalized Medicine Clinic); PubMed 33879153 (cited by Clinical Genomics, Uppaluri K&H Personalized Medicine Clinic); PubMed 12955714 (cited by Clinical Genomics, Uppaluri K&H Personalized Medicine Clinic); PubMed 18060660 (cited by Clinical Genomics, Uppaluri K&H Personalized Medicine Clinic); PubMed 20301750 (cited by Clinical Genomics, Uppaluri K&H Personalized Medicine Clinic); PubMed 17603484 (cited by Clinical Genomics, Uppaluri K&H Personalized Medicine Clinic).